The following is an entry in ClinVar:

ClinVar aggregate classification (germline): Likely benign (0 of 4 stars; one submission).

Conditions:
NPR3-related disorder. Also called: NPR3-related condition.

Submission:

PreventionGenetics, part of Exact Sciences
Classification: Likely benign for NPR3-related condition. Last evaluated: 2019-09-17. Review status: no assertion criteria provided. Collection method: clinical testing. Allele origin: germline.
Comment: This variant is classified as likely benign based on ACMG/AMP sequence variant interpretation guidelines (Richards et al. 2015 PMID: 25741868, with internal and published modifications).

NM_001204375.2(NPR3):c.888C>A (p.Ser296=)

Gene: NPR3 (natriuretic peptide receptor 3; plus strand). Cytogenetic location: 5p13.3.
Variant type: single nucleotide variant.
Coding change: c.888C>A on transcript NM_001204375.2 (MANE Select); coding-DNA position 888, C replaced by A.
Protein change: p.Ser296=; no amino-acid change (serine 296 retained).
Molecular consequence: synonymous variant. On other transcripts: intron variant (1).
Genome position (GRCh38, 1-based): chr5:32,724,816, C>A. VCF-style: chr5-32724816-C-A. GRCh37 (hg19) VCF-style: chr5-32724922-C-A.
Other names: c.888C>A, p.Ser296= (NM_000908.4); c.240C>A, p.Ser80= (NM_001204376.2, NM_001363652.2); c.168C>A, p.Ser56= (NM_001364458.2); c.121+14033C>A (NM_001364460.2).
Identifiers: ClinVar variation 3040450 (VCV003040450.2), dbSNP rs1316577485, ClinGen allele CA443776615.